The following is an entry in ClinVar:

ClinVar aggregate classification (germline): Uncertain significance (1 of 4 stars; one submission).

Conditions:
Inborn genetic diseases. Identifiers: MedGen C0950123, MeSH D030342.

gnomAD v4.1: 1 of 1,613,890 alleles (0.000062%); no homozygotes.

Submission:

Ambry Genetics
Classification: Uncertain significance for Inborn genetic diseases. Last evaluated: 2025-11-02. Review status: criteria provided, single submitter. Criteria: Ambry Variant Classification Scheme 2023. Collection method: clinical testing. Allele origin: germline.
Comment: The p.F242S variant (also known as c.725T>C), located in coding exon 8 of the DDX41 gene, results from a T to C substitution at nucleotide position 725. The phenylalanine at codon 242 is replaced by serine, an amino acid with highly dissimilar properties. This amino acid position is conserved. In addition, the in silico prediction for this alteration is inconclusive. Based on the available evidence, the clinical significance of this variant remains unclear.

NM_016222.4(DDX41):c.725T>C (p.Phe242Ser)

Gene: DDX41 (DEAD-box helicase 41; minus strand). Cytogenetic location: 5q35.3.
Variant type: single nucleotide variant.
Coding change: c.725T>C on transcript NM_016222.4 (MANE Select); coding-DNA position 725, T replaced by C.
Protein change: p.Phe242Ser; replaces phenylalanine 242 with serine.
Molecular consequence: missense variant.
Genome position (GRCh38, 1-based): chr5:177,514,989, A>G on the plus strand (T>C on the coding strand, the complement: DDX41 is on the minus strand). VCF-style: chr5-177514989-A-G. GRCh37 (hg19) VCF-style: chr5-176941990-A-G.
Other names: c.347T>C, p.Phe116Ser (NM_001321830.2, NM_001321732.2); short protein forms F116S, F242S.
Identifiers: ClinVar variation 4617178 (VCV004617178.1).